The following is an entry in ClinVar:

ClinVar aggregate classification (germline): Uncertain significance (1 of 4 stars; one submission).

Submission:

GeneDx
Classification: Uncertain significance. Last evaluated: 2026-02-04. Review status: criteria provided, single submitter. Criteria: GeneDx Variant Classification Process June 2021. Collection method: clinical testing. Allele origin: germline.
Comment: Not observed at significant frequency in large population cohorts (gnomAD); Has not been previously published as pathogenic or benign to our knowledge; In silico analysis is inconclusive as to whether the variant alters gene splicing. In the absence of RNA/functional studies, the actual effect of this sequence change is unknown.

NM_001037333.3(CYFIP2):c.1983-3C>G

Gene: CYFIP2 (cytoplasmic FMR1 interacting protein 2; plus strand). Cytogenetic location: 5q33.3.
Variant type: single nucleotide variant.
Coding change: c.1983-3C>G on transcript NM_001037333.3 (MANE Select); 3 bases into the intron before coding-DNA position 1983, C replaced by G.
Molecular consequence: intron variant.
Genome position (GRCh38, 1-based): chr5:157,326,168, C>G. VCF-style: chr5-157326168-C-G. GRCh37 (hg19) VCF-style: chr5-156753176-C-G.
Other names: c.2058-3C>G (NM_001291722.2); c.1905-3C>G (NM_001291721.2); c.1983-3C>G (NM_014376.4).
Identifiers: ClinVar variation 4975926 (VCV004975926.1).